The following is an entry in ClinVar:

NM_003001.5(SDHC):c.95C>G (p.Thr32Ser)

Gene: SDHC (succinate dehydrogenase complex subunit C; plus strand). Cytogenetic location: 1q23.3.
Variant type: single nucleotide variant.
Coding change: c.95C>G on transcript NM_003001.5 (MANE Select); coding-DNA position 95, C replaced by G.
Protein change: p.Thr32Ser; replaces threonine 32 with serine.
Molecular consequence: missense variant. On other transcripts: non-coding transcript variant (1), intron variant (4), 5 prime UTR variant (2).
Genome position (GRCh38, 1-based): chr1:161,328,413, C>G. VCF-style: chr1-161328413-C-G. GRCh37 (hg19) VCF-style: chr1-161298203-C-G.
Other names: c.38C>G, p.Thr13Ser (NM_001407121.1, NM_001407116.1, NM_001407117.1); c.77+4743C>G (NM_001035512.3, NM_001278172.3, NM_001407118.1); c.21-12181C>G (NM_001035513.3); c.95C>G, p.Thr32Ser (NM_001035511.3, NM_001407115.1); c.-17C>G (NM_001407119.1, NM_001407120.1); short protein forms T32S, T13S.
Identifiers: ClinVar variation 1051680 (VCV001051680.25), dbSNP rs1571851464, ClinGen allele CA343360903.
Genomic context (GRCh38, chr1:161,328,413, plus strand): 5'-AGTTTACTTTTAGTTATTTTCAAACGGTCTGGTTTTATTTTAGTGCTGTTCCTTTGGGAA[C>G]CACGGCCAAAGAAGAGATGGAGCGGTTCTGGAATAAGAATATAGGTTCAAACCGTCCTCT-3'
Protein context (NP_002992.1, residues 22-42): LCIRNAVPLG[Thr32Ser]TAKEEMERFW

ClinVar aggregate classification (germline): Uncertain significance. Review status: criteria provided, multiple submitters, no conflicts (2 of 4 stars). 2 submissions from 2 submitters: Uncertain significance (2). Last evaluated 2026-07-07.

Conditions:
Gastrointestinal stromal tumor. Also called: Gastrointestinal stromal tumor, somatic; Gastrointestinal stroma tumor. Identifiers: Orphanet 44890, MedGen C0238198, MeSH D046152, MONDO:0011719, OMIM 606764, HP:0100723.
Pheochromocytoma/paraganglioma syndrome 3. Also called: SDHC-Related Hereditary Paraganglioma-Pheochromocytoma Syndrome (Paragangliomas 3); Paragangliomas 3; GLOMUS TUMORS, FAMILIAL, 3; SDHC-Related Hereditary Paraganglioma-Pheochromocytoma Syndrome. Identifiers: Orphanet 29072, MedGen C1854336, MONDO:0011544, OMIM 605373.
Hereditary cancer-predisposing syndrome. Also called: Tumor predisposition; Hereditary Cancer Syndrome; Hereditary neoplastic syndrome; Neoplastic Syndromes, Hereditary. Identifiers: Orphanet 140162, MedGen C0027672, MeSH D009386, MONDO:0015356.

Submissions (2):

Ambry Genetics
Classification: Uncertain significance for Hereditary cancer-predisposing syndrome. Last evaluated: 2026-07-07. Review status: criteria provided, single submitter. Criteria: Ambry Variant Classification Scheme 2023. Collection method: clinical testing. Allele origin: germline.
Comment: The p.T32S variant (also known as c.95C>G), located in coding exon 3 of the SDHC gene, results from a C to G substitution at nucleotide position 95. The threonine at codon 32 is replaced by serine, an amino acid with similar properties. This amino acid position is conserved. In addition, the in silico prediction for this alteration is inconclusive. Based on the available evidence, the clinical significance of this variant remains unclear.

Labcorp Genetics (formerly Invitae), Labcorp
Classification: Uncertain significance for Pheochromocytoma/paraganglioma syndrome 3; Gastrointestinal stromal tumor. Last evaluated: 2020-02-04. Review status: criteria provided, single submitter. Criteria: Invitae Variant Classification Sherloc (09022015). Collection method: clinical testing. Allele origin: germline.
Comment: This variant is not present in population databases (ExAC no frequency). In summary, the available evidence is currently insufficient to determine the role of this variant in disease. Therefore, it has been classified as a Variant of Uncertain Significance. Algorithms developed to predict the effect of sequence changes on RNA splicing suggest that this variant may create or strengthen a splice site, but this prediction has not been confirmed by published transcriptional studies. Algorithms developed to predict the effect of missense changes on protein structure and function are either unavailable or do not agree on the potential impact of this missense change (SIFT: "Tolerated"; PolyPhen-2: "Possibly Damaging"; Align-GVGD: "Class C0"). This variant has not been reported in the literature in individuals with SDHC-related conditions. This sequence change replaces threonine with serine at codon 32 of the SDHC protein (p.Thr32Ser). The threonine residue is highly conserved and there is a small physicochemical difference between threonine and serine.